The following is an entry in ClinVar:

ClinVar aggregate classification (germline): Benign (1 of 4 stars; one submission).

Conditions:
Leigh syndrome (NULS). Also called: Leigh's necrotizing encephalopathy; Leigh's disease; Leigh's syndrome; LEIGH SYNDROME, NUCLEAR; Leigh Syndrome (mtDNA deletion); Leigh Disease. Identifiers: Orphanet 506, MedGen C2931891, MONDO:0009723, OMIM 256000.

Submission:

Wong Mito Lab, Molecular and Human Genetics, Baylor College of Medicine
Classification: Benign for Leigh syndrome. Last evaluated: 2019-10-17. Review status: criteria provided, single submitter. Criteria: Modified ACMG Guidelines (Unpublished). Collection method: clinical testing. Allele origin: germline.
Comment: The NC_012920.1:m.15524A>G (YP_003024038.1:p.Asn260Asp) variant in MTCYB gene is interpretated to be a Benign variant based on the modified ACMG guidelines (unpublished). This variant meets the following evidence codes: BS1, BS2, BP4

NC_012920.1(MT-CYB):m.15524A>G

Gene: MT-CYB (mitochondrially encoded cytochrome b; plus strand).
Variant type: single nucleotide variant.
Genome position: chrM-15524-A-G.
Identifiers: ClinVar variation 693900 (VCV000693900.1), dbSNP rs1603225331, ClinGen allele CA913174106.
Genomic context (GRCh38, chrMT:15,524, plus strand): 5'-ATGACATTAACACTATTCTCACCAGACCTCCTAGGCGACCCAGACAATTATACCCTAGCC[A>G]ACCCCTTAAACACCCCTCCCCACATCAAGCCCGAATGATATTTCCTATTCGCCTACACAA-3'